The following is an entry in ClinVar:

ClinVar aggregate classification (germline): Uncertain significance (1 of 4 stars; one submission).

Conditions:
Autosomal dominant Parkinson disease 8. Also called: Parkinson disease 8, susceptibility to; LRRK2-Related Parkinson Disease; Parkinson disease 8. Identifiers: Orphanet 411602, MedGen C1846862, MONDO:0011764, OMIM 607060.

Submission:

Labcorp Genetics (formerly Invitae), Labcorp
Classification: Uncertain significance for Autosomal dominant Parkinson disease 8. Last evaluated: 2022-06-28. Review status: criteria provided, single submitter. Criteria: Invitae Variant Classification Sherloc (09022015). Collection method: clinical testing. Allele origin: germline.
Comment: This variant is not present in population databases (gnomAD no frequency). This variant has not been reported in the literature in individuals affected with LRRK2-related conditions. This sequence change replaces leucine, which is neutral and non-polar, with methionine, which is neutral and non-polar, at codon 1090 of the LRRK2 protein (p.Leu1090Met). In summary, the available evidence is currently insufficient to determine the role of this variant in disease. Therefore, it has been classified as a Variant of Uncertain Significance. Algorithms developed to predict the effect of missense changes on protein structure and function (SIFT, PolyPhen-2, Align-GVGD) all suggest that this variant is likely to be tolerated.

NM_198578.4(LRRK2):c.3268C>A (p.Leu1090Met)

Gene: LRRK2 (leucine rich repeat kinase 2; plus strand). Cytogenetic location: 12q12.
Variant type: single nucleotide variant.
Coding change: c.3268C>A on transcript NM_198578.4 (MANE Select); coding-DNA position 3268, C replaced by A.
Protein change: p.Leu1090Met; replaces leucine 1090 with methionine.
Molecular consequence: missense variant.
Genome position (GRCh38, 1-based): chr12:40,298,414, C>A. VCF-style: chr12-40298414-C-A. GRCh37 (hg19) VCF-style: chr12-40692216-C-A.
Other names: short protein forms L1090M.
Identifiers: ClinVar variation 2011933 (VCV002011933.4), dbSNP rs1409959548, ClinGen allele CA384414916.
Genomic context (GRCh38, chr12:40,298,414, plus strand): 5'-ATTGGACCCTCAGTGGTTTTAGATCCTACAGTGAAATGTCCAACTCTGAAACAGTTTAAC[C>A]TGTCATATAACCAGCTGTCTTTTGTACCTGAGAACCTCACTGATGTGGTAGAGAAACTGG-3'
Protein context (NP_940980.4, residues 1080-1100): VKCPTLKQFN[Leu1090Met]SYNQLSFVPE